The following is an entry in ClinVar:

ClinVar aggregate classification (germline): Uncertain significance (1 of 4 stars; one submission).

Conditions:
Glycogen storage disease IV, classic hepatic. Also called: GSD IV, CLASSIC HEPATIC. Identifiers: MedGen C1856301.
Glycogen storage disease, type IV (GSD4). Also called: CIRRHOSIS, FAMILIAL, WITH DEPOSITION OF ABNORMAL GLYCOGEN; GBE1 DEFICIENCY; GLYCOGEN BRANCHING ENZYME DEFICIENCY; GLYCOGENOSIS IV; GSD IV; Glycogen storage disease due to glycogen branching enzyme deficiency. Identifiers: Orphanet 367, MedGen C0017923, MONDO:0009292, OMIM 232500.

Allele frequency attached by ClinVar (database versions not stated): gnomAD exomes below 0.00001; TOPMed 0.00001.
gnomAD v4.1: 1 of 1,566,902 alleles (0.000064%); highest among the groups gnomAD compares: African/African-American, 0.0014%; no homozygotes.

Submission:

Labcorp Genetics (formerly Invitae), Labcorp
Classification: Uncertain significance for Glycogen storage disease, type IV; Glycogen storage disease IV, classic hepatic. Last evaluated: 2025-09-02. Review status: criteria provided, single submitter. Criteria: Invitae Variant Classification Sherloc (09022015). Collection method: clinical testing. Allele origin: germline.
Comment: This sequence change replaces leucine, which is neutral and non-polar, with proline, which is neutral and non-polar, at codon 363 of the GBE1 protein (p.Leu363Pro). This variant is not present in population databases (gnomAD no frequency). This variant has not been reported in the literature in individuals affected with GBE1-related conditions. ClinVar contains an entry for this variant (Variation ID: 1464077). Invitae Evidence Modeling of protein sequence and biophysical properties (such as structural, functional, and spatial information, amino acid conservation, physicochemical variation, residue mobility, and thermodynamic stability) indicates that this missense variant is expected to disrupt GBE1 protein function with a positive predictive value of 95%. In summary, the available evidence is currently insufficient to determine the role of this variant in disease. Therefore, it has been classified as a Variant of Uncertain Significance.

NM_000158.4(GBE1):c.1088T>C (p.Leu363Pro)

Gene: GBE1 (1,4-alpha-glucan branching enzyme 1; minus strand). Cytogenetic location: 3p12.2.
Variant type: single nucleotide variant.
Coding change: c.1088T>C on transcript NM_000158.4 (MANE Select); coding-DNA position 1088, T replaced by C.
Protein change: p.Leu363Pro; replaces leucine 363 with proline.
Molecular consequence: missense variant.
Genome position (GRCh38, 1-based): chr3:81,593,928, A>G on the plus strand (T>C on the coding strand, the complement: GBE1 is on the minus strand). VCF-style: chr3-81593928-A-G. GRCh37 (hg19) VCF-style: chr3-81643079-A-G.
Other names: short protein forms L363P.
Identifiers: ClinVar variation 1464077 (VCV001464077.6), dbSNP rs965176553, ClinGen allele CA78286447.
Genomic context (GRCh38, chr3:81,593,928, plus strand): 5'-CTGCAATTAACCCCAAACCTGATTATATCAGGTTACCTACCCACTCCATGGTGATGATAA[A>G]GCATGGACGTAACACCATCAAAACGAAATCCATCAAAGCGATATTCTTCCAACCACCATC-3'
Protein context (NP_000149.4, residues 353-373): GFRFDGVTSM[Leu363Pro]YHHHGVGQGF